The following is an entry in ClinVar:

NM_003803.4(MYOM1):c.4604A>G (p.Asp1535Gly)

Gene: MYOM1 (myomesin 1; minus strand). Cytogenetic location: 18p11.31.
Variant type: single nucleotide variant.
Coding change: c.4604A>G on transcript NM_003803.4 (MANE Select); coding-DNA position 4604, A replaced by G.
Protein change: p.Asp1535Gly; replaces aspartic acid 1535 with glycine.
Molecular consequence: missense variant.
Genome position (GRCh38, 1-based): chr18:3,079,223, T>C on the plus strand (A>G on the coding strand, the complement: MYOM1 is on the minus strand). VCF-style: chr18-3079223-T-C. GRCh37 (hg19) VCF-style: chr18-3079221-T-C.
Other names: c.4316A>G, p.Asp1439Gly (NM_019856.2); short protein forms D1439G, D1535G.
Identifiers: ClinVar variation 4782311 (VCV004782311.1).

ClinVar aggregate classification (germline): Uncertain significance (1 of 4 stars; one submission).

Conditions:
Hypertrophic cardiomyopathy. Also called: HYPERTROPHIC MYOCARDIOPATHY. Identifiers: Orphanet 217569, MedGen C0007194, MeSH D002312, MONDO:0005045, HP:0001639.

gnomAD v4.1: 1 of 1,613,992 alleles (0.000062%); highest among the groups gnomAD compares: African/African-American, 0.0013%; no homozygotes.

Submission:

Labcorp Genetics (formerly Invitae), Labcorp
Classification: Uncertain significance for Hypertrophic cardiomyopathy. Last evaluated: 2025-05-19. Review status: criteria provided, single submitter. Criteria: Invitae Variant Classification Sherloc (09022015). Collection method: clinical testing. Allele origin: germline.
Comment: This sequence change replaces aspartic acid, which is acidic and polar, with glycine, which is neutral and non-polar, at codon 1535 of the MYOM1 protein (p.Asp1535Gly). This variant is present in population databases (no rsID available, gnomAD 0.007%). This variant has not been reported in the literature in individuals affected with MYOM1-related conditions. Invitae Evidence Modeling of protein sequence and biophysical properties (such as structural, functional, and spatial information, amino acid conservation, physicochemical variation, residue mobility, and thermodynamic stability) has been performed for this missense variant. However, the output from this modeling did not meet the statistical confidence thresholds required to predict the impact of this variant on MYOM1 protein function. In summary, the available evidence is currently insufficient to determine the role of this variant in disease. Therefore, it has been classified as a Variant of Uncertain Significance.